The following is an entry in ClinVar:

ClinVar aggregate classification (germline): Benign (1 of 4 stars; one submission).

Allele frequency attached by ClinVar (database versions not stated): TOPMed 0.36668; gnomAD 0.37178 and 0.37587; 1000 Genomes Project 30x 0.37711; 1000 Genomes Project 0.38279.
gnomAD v4.1: 57,033 of 151,892 alleles (38%); highest among the groups gnomAD compares: South Asian, 47%; 10,854 homozygotes.

Submission:

GeneDx
Classification: Benign. Last evaluated: 2018-06-19. Review status: criteria provided, single submitter. Criteria: GeneDx Variant Classification (06012015). Collection method: clinical testing. Allele origin: germline. Affected: yes.
Comment: This variant is considered likely benign or benign based on one or more of the following criteria: it is a conservative change, it occurs at a poorly conserved position in the protein, it is predicted to be benign by multiple in silico algorithms, and/or has population frequency not consistent with disease.

NM_001034850.3(RETREG1):c.428-310G>A

Gene: RETREG1 (reticulophagy regulator 1; minus strand). Cytogenetic location: 5p15.1.
Variant type: single nucleotide variant.
Coding change: c.428-310G>A on transcript NM_001034850.3 (MANE Select); 310 bases into the intron before coding-DNA position 428, G replaced by A.
Molecular consequence: intron variant.
Genome position (GRCh38, 1-based): chr5:16,566,103, C>T on the plus strand (G>A on the coding strand, the complement: RETREG1 is on the minus strand). VCF-style: chr5-16566103-C-T. GRCh37 (hg19) VCF-style: chr5-16566212-C-T.
Identifiers: ClinVar variation 668135 (VCV000668135.1), dbSNP rs2560828, ClinGen allele CA11962363.